The following is an entry in ClinVar:

ClinVar aggregate classification (germline): Conflicting classifications of pathogenicity. Review status: criteria provided, conflicting classifications (1 of 4 stars). 4 submissions from 4 submitters: Uncertain significance (2); Likely benign (1). 1 of the submissions does not count toward it. Last evaluated 2025-05-11.

Conditions:
Hereditary cancer-predisposing syndrome. Also called: Tumor predisposition; Neoplastic Syndromes, Hereditary; Hereditary neoplastic syndrome; Hereditary Cancer Syndrome. Identifiers: Orphanet 140162, MedGen C0027672, MeSH D009386, MONDO:0015356.
Hereditary breast ovarian cancer syndrome. Also called: Hereditary breast and ovarian cancer; Hereditary breast and ovarian cancer syndrome (HBOC); Hereditary breast and/or ovarian cancer syndrome; Breast and ovarian cancer; Hereditary breast and ovarian cancer syndrome; BRCA1- and BRCA2-Associated Hereditary Breast and Ovarian Cancer. Identifiers: Orphanet 145, MedGen C0677776, MeSH D061325, MONDO:0003582. Disease mechanism: loss of function.
Breast-ovarian cancer, familial, susceptibility to, 2 (BROVCA2). Also called: BRCA2 Hereditary Breast and Ovarian Cancer. Identifiers: Orphanet 145, MedGen C2675520, MONDO:0012933, OMIM 612555. Disease mechanism: loss of function.

Allele frequency attached by ClinVar (database versions not stated): gnomAD exomes below 0.00001; ExAC 0.00001.
gnomAD v4.1: 1 of 1,612,620 alleles (0.000062%); no homozygotes.

Submissions (4):

Labcorp Genetics (formerly Invitae), Labcorp
Classification: Uncertain significance for Hereditary breast ovarian cancer syndrome. Last evaluated: 2025-05-11. Review status: criteria provided, single submitter. Criteria: Invitae Variant Classification Sherloc (09022015). Collection method: clinical testing. Allele origin: germline.
Comment: This sequence change replaces isoleucine, which is neutral and non-polar, with methionine, which is neutral and non-polar, at codon 979 of the BRCA2 protein (p.Ile979Met). This variant is present in population databases (rs397507297, gnomAD 0.01%). This variant has not been reported in the literature in individuals affected with BRCA2-related conditions. ClinVar contains an entry for this variant (Variation ID: 37808). Invitae Evidence Modeling of protein sequence and biophysical properties (such as structural, functional, and spatial information, amino acid conservation, physicochemical variation, residue mobility, and thermodynamic stability) indicates that this missense variant is not expected to disrupt BRCA2 protein function with a negative predictive value of 95%. In summary, the available evidence is currently insufficient to determine the role of this variant in disease. Therefore, it has been classified as a Variant of Uncertain Significance.

University of Washington Department of Laboratory Medicine, University of Washington
Classification: Likely benign for Hereditary cancer-predisposing syndrome. Last evaluated: 2023-03-23. Review status: criteria provided, single submitter. Criteria: Dines et al. (Genet Med. 2020). Collection method: curation. Allele origin: germline.
Comment: Missense variant in a coldspot region where missense variants are very unlikely to be pathogenic (PMID:31911673).

BRCA2 exon 11 coldspot. Reclassification based on statistical prior probability.

Color Diagnostics, LLC DBA Color Health
Classification: Uncertain significance for Hereditary cancer-predisposing syndrome. Last evaluated: 2019-04-26. Review status: criteria provided, single submitter. Criteria: ACMG Guidelines, 2015. Collection method: clinical testing. Allele origin: germline.

Sharing Clinical Reports Project (SCRP)
Classification: Uncertain significance for Breast-ovarian cancer, familial 2. Last evaluated: 2012-02-16. Review status: no assertion criteria provided. Collection method: clinical testing. Allele origin: germline. Not counted in ClinVar's aggregate classification.

NM_000059.4(BRCA2):c.2937A>G (p.Ile979Met)

Gene: BRCA2 (BRCA2 DNA repair associated; plus strand). Cytogenetic location: 13q13.1.
Variant type: single nucleotide variant.
Coding change: c.2937A>G on transcript NM_000059.4 (MANE Select); coding-DNA position 2937, A replaced by G.
Protein change: p.Ile979Met; replaces isoleucine 979 with methionine.
Molecular consequence: missense variant.
Genome position (GRCh38, 1-based): chr13:32,337,292, A>G. VCF-style: chr13-32337292-A-G. GRCh37 (hg19) VCF-style: chr13-32911429-A-G.
Other names: 3165A>G; short protein forms I979M.
Identifiers: ClinVar variation 37808 (VCV000037808.10), dbSNP rs397507297, ClinGen allele CA016830.